The following is an entry in ClinVar:

ClinVar aggregate classification (germline): Uncertain significance (1 of 4 stars; one submission).

Conditions:
Peripheral neuropathy, autosomal recessive, with or without impaired intellectual development. Identifiers: MedGen C4748283, MONDO:0029131, OMIM 618124.

Submission:

OLLIN Analises Genomicas, OLLIN
Classification: Uncertain significance for Peripheral neuropathy, autosomal recessive, with or without impaired intellectual development. Last evaluated: 2026-08-06. Review status: criteria provided, single submitter. Criteria: ACMG Guidelines 2015 PMID 25741868. Collection method: clinical testing. Allele origin: germline.
Comment: This missense variant, located in exon 26 (of 28), is absent from gnomAD and ClinVar and has not been identified in the literature. In silico analysis predicts that this variant has a tolerated effect. According to the currently available evidence, this variant has been classified as uncertain significance (PM2_P, BP4_M).

NM_003906.5(MCM3AP):c.5506A>C (p.Ser1836Arg)

Genes: MCM3AP (minichromosome maintenance complex component 3 associated protein; minus strand), MCM3AP-AS1 (MCM3AP antisense RNA 1; plus strand). Cytogenetic location: 21q22.3.
Variant type: single nucleotide variant.
Coding change: c.5506A>C on transcript NM_003906.5 (MANE Select); coding-DNA position 5506, A replaced by C.
Protein change: p.Ser1836Arg; replaces serine 1836 with arginine.
Molecular consequence: missense variant. On other transcripts: non-coding transcript variant (4).
Genome position (GRCh38, 1-based): chr21:46,240,938, T>G on the plus strand (A>C on the coding strand, the complement: MCM3AP is on the minus strand). VCF-style: chr21-46240938-T-G. GRCh37 (hg19) VCF-style: chr21-47660852-T-G.
Other names: short protein forms S1836R.
Identifiers: ClinVar variation 5003118 (VCV005003118.1).